The following is an entry in ClinVar:

NM_000179.3(MSH6):c.1513T>C (p.Tyr505His)

Gene: MSH6 (mutS homolog 6; plus strand). Cytogenetic location: 2p16.3.
Variant type: single nucleotide variant.
Coding change: c.1513T>C on transcript NM_000179.3 (MANE Select); coding-DNA position 1513, T replaced by C.
Protein change: p.Tyr505His; replaces tyrosine 505 with histidine.
Molecular consequence: missense variant.
Genome position (GRCh38, 1-based): chr2:47,799,496, T>C. VCF-style: chr2-47799496-T-C. GRCh37 (hg19) VCF-style: chr2-48026635-T-C.
Other names: c.1123T>C, p.Tyr375His (NM_001281492.2); c.607T>C, p.Tyr203His (NM_001281493.2, NM_001281494.2); short protein forms Y505H, Y375H, Y203H.
Identifiers: ClinVar variation 574995 (VCV000574995.15), dbSNP rs1558661932, ClinGen allele CA346746307.

ClinVar aggregate classification (germline): Conflicting classifications of pathogenicity. Review status: criteria provided, conflicting classifications (1 of 4 stars). 6 submissions from 6 submitters: Uncertain significance (5); Likely benign (1). Last evaluated 2025-12-24.

Conditions:
Hereditary nonpolyposis colorectal neoplasms. Identifiers: MedGen C0009405, MeSH D003123.
Hereditary cancer-predisposing syndrome. Also called: Neoplastic Syndromes, Hereditary; Hereditary Cancer Syndrome; Tumor predisposition; Hereditary neoplastic syndrome. Identifiers: Orphanet 140162, MedGen C0027672, MeSH D009386, MONDO:0015356.
Lynch syndrome. Identifiers: Orphanet 144, MedGen C4552100, MONDO:0005835. Disease mechanism: loss of function.
Endometrial carcinoma. Also called: Endometrial carcinoma, somatic. Identifiers: MedGen C0476089, MONDO:0002447, OMIM 608089, HP:0012114.

Allele frequency attached by ClinVar (database versions not stated): TOPMed below 0.00001.

Submissions (6):

Labcorp Genetics (formerly Invitae), Labcorp
Classification: Uncertain significance for Hereditary nonpolyposis colorectal neoplasms. Last evaluated: 2025-12-24. Review status: criteria provided, single submitter. Criteria: Invitae Variant Classification Sherloc (09022015). Collection method: clinical testing. Allele origin: germline.
Comment: This sequence change replaces tyrosine, which is neutral and polar, with histidine, which is basic and polar, at codon 505 of the MSH6 protein (p.Tyr505His). This variant is not present in population databases (gnomAD no frequency). This variant has not been reported in the literature in individuals affected with MSH6-related conditions. ClinVar contains an entry for this variant (Variation ID: 574995). Invitae Evidence Modeling of protein sequence and biophysical properties (such as structural, functional, and spatial information, amino acid conservation, physicochemical variation, residue mobility, and thermodynamic stability) indicates that this missense variant is not expected to disrupt MSH6 protein function with a negative predictive value of 95%. In summary, the available evidence is currently insufficient to determine the role of this variant in disease. Therefore, it has been classified as a Variant of Uncertain Significance.

Color Diagnostics, LLC DBA Color Health
Classification: Uncertain significance for Hereditary cancer-predisposing syndrome. Last evaluated: 2024-03-06. Review status: criteria provided, single submitter. Criteria: ACMG Guidelines, 2015. Collection method: clinical testing. Allele origin: germline.
Comment: This missense variant replaces tyrosine with histidine at codon 505 of the MSH6 protein. Computational prediction suggests that this variant may not impact protein structure and function (internally defined REVEL score threshold <= 0.5, PMID: 27666373). To our knowledge, functional studies have not been reported for this variant. This variant has not been reported in individuals affected with MSH6-related disorders in the literature. This variant has not been identified in the general population by the Genome Aggregation Database (gnomAD). The available evidence is insufficient to determine the role of this variant in disease conclusively. Therefore, this variant is classified as a Variant of Uncertain Significance.

Baylor Genetics
Classification: Uncertain significance for Endometrial carcinoma. Last evaluated: 2023-11-12. Review status: criteria provided, single submitter. Criteria: ACMG Guidelines, 2015. Collection method: clinical testing. Allele origin: unknown.

All of Us Research Program, National Institutes of Health
Classification: Uncertain significance for Lynch syndrome. Last evaluated: 2023-09-04. Review status: criteria provided, single submitter. Criteria: ACMG Guidelines, 2015. Collection method: clinical testing. Allele origin: germline. Inheritance: Autosomal dominant inheritance. Observed: 1 variant allele, 1 heterozygote.
Comment: This missense variant replaces tyrosine with histidine at codon 505 of the MSH6 protein. Computational prediction suggests that this variant may not impact protein structure and function (internally defined REVEL score threshold <= 0.5, PMID: 27666373). To our knowledge, functional studies have not been reported for this variant. This variant has not been reported in individuals affected with MSH6-related disorders in the literature. This variant has not been identified in the general population by the Genome Aggregation Database (gnomAD). The available evidence is insufficient to determine the role of this variant in disease conclusively. Therefore, this variant is classified as a Variant of Uncertain Significance.

This study involves interpretation of variants in research participants for the purpose of population health screening. Participant phenotype was not available at the time of variant classification. Additional details can be found in publication PMID: 35346344, PMCID: PMC8962531

Women's Health and Genetics/Laboratory Corporation of America, LabCorp
Classification: Uncertain significance. Last evaluated: 2022-10-09. Review status: criteria provided, single submitter. Criteria: LabCorp Variant Classification Summary - May 2015. Collection method: clinical testing. Allele origin: germline.

Ambry Genetics
Classification: Likely benign for Hereditary cancer-predisposing syndrome. Last evaluated: 2020-12-22. Review status: criteria provided, single submitter. Criteria: Ambry Variant Classification Scheme 2023. Collection method: clinical testing. Allele origin: germline.